The following is an entry in ClinVar:

ClinVar aggregate classification (germline): Uncertain significance (1 of 4 stars; one submission).

Conditions:
Inborn genetic diseases. Identifiers: MedGen C0950123, MeSH D030342.

Submission:

Ambry Genetics
Classification: Uncertain significance for Inborn genetic diseases. Last evaluated: 2026-03-12. Review status: criteria provided, single submitter. Criteria: Ambry Variant Classification Scheme 2023. Collection method: clinical testing. Allele origin: germline.
Comment: The p.A775S variant (also known as c.2323G>T), located in coding exon 1 of the SAMD9L gene, results from a G to T substitution at nucleotide position 2323. The alanine at codon 775 is replaced by serine, an amino acid with similar properties. This amino acid position is conserved. In addition, this alteration is predicted to be tolerated by in silico analysis. Based on the available evidence, the clinical significance of this variant remains unclear.

NM_152703.5(SAMD9L):c.2323G>T (p.Ala775Ser)

Gene: SAMD9L (sterile alpha motif domain containing 9 like; minus strand). Cytogenetic location: 7q21.2.
Variant type: single nucleotide variant.
Coding change: c.2323G>T on transcript NM_152703.5 (MANE Select); coding-DNA position 2323, G replaced by T.
Protein change: p.Ala775Ser; replaces alanine 775 with serine.
Molecular consequence: missense variant.
Genome position (GRCh38, 1-based): chr7:93,133,649, C>A on the plus strand (G>T on the coding strand, the complement: SAMD9L is on the minus strand). VCF-style: chr7-93133649-C-A. GRCh37 (hg19) VCF-style: chr7-92762962-C-A.
Other names: c.2323G>T, p.Ala775Ser (NM_001303496.3, NM_001303497.3, NM_001303498.3 and 5 more transcripts); short protein forms A775S.
Identifiers: ClinVar variation 4826197 (VCV004826197.1).